The following is an entry in ClinVar:

ClinVar aggregate classification (germline): Uncertain significance. Review status: criteria provided, multiple submitters, no conflicts (2 of 4 stars). 3 submissions from 3 submitters: Uncertain significance (3). Last evaluated 2026-04-01.

Conditions:
Inborn genetic diseases. Identifiers: MedGen C0950123, MeSH D030342.

Allele frequency attached by ClinVar (database versions not stated): ESP Exome Variant Server 0.00015; gnomAD exomes 0.00008 and 0.00001; ExAC 0.00009; gnomAD 0.00010 and 0.00011; TOPMed 0.00015.
gnomAD v4.1: 37 of 1,613,976 alleles (0.0023%); highest among the groups gnomAD compares: Admixed American, 0.027%; 1 homozygote.

Submissions (3):

GeneDx
Classification: Uncertain significance. Last evaluated: 2026-04-01. Review status: criteria provided, single submitter. Criteria: GeneDx Variant Classification Process June 2021. Collection method: clinical testing. Allele origin: germline.
Comment: In silico analysis supports that this missense variant has a deleterious effect on protein structure/function; Has not been previously published as pathogenic or benign to our knowledge

Labcorp Genetics (formerly Invitae), Labcorp
Classification: Uncertain significance. Last evaluated: 2025-03-05. Review status: criteria provided, single submitter. Criteria: Invitae Variant Classification Sherloc (09022015). Collection method: clinical testing. Allele origin: germline.
Comment: This sequence change replaces threonine, which is neutral and polar, with methionine, which is neutral and non-polar, at codon 105 of the EDNRB protein (p.Thr105Met). The frequency data for this variant in the population databases is considered unreliable, as metrics indicate poor data quality at this position in the gnomAD database. This variant has not been reported in the literature in individuals affected with EDNRB-related conditions. ClinVar contains an entry for this variant (Variation ID: 1496310). Invitae Evidence Modeling of protein sequence and biophysical properties (such as structural, functional, and spatial information, amino acid conservation, physicochemical variation, residue mobility, and thermodynamic stability) indicates that this missense variant is not expected to disrupt EDNRB protein function with a negative predictive value of 80%. In summary, the available evidence is currently insufficient to determine the role of this variant in disease. Therefore, it has been classified as a Variant of Uncertain Significance.

Ambry Genetics
Classification: Uncertain significance for Inborn genetic diseases. Last evaluated: 2021-10-06. Review status: criteria provided, single submitter. Criteria: Ambry Variant Classification Scheme 2023. Collection method: clinical testing. Allele origin: germline.

NM_001122659.3(EDNRB):c.314C>T (p.Thr105Met)

Gene: EDNRB (endothelin receptor type B; minus strand). Cytogenetic location: 13q22.3.
Variant type: single nucleotide variant.
Coding change: c.314C>T on transcript NM_001122659.3 (MANE Select); coding-DNA position 314, C replaced by T.
Protein change: p.Thr105Met; replaces threonine 105 with methionine.
Molecular consequence: missense variant.
Genome position (GRCh38, 1-based): chr13:77,918,260, G>A on the plus strand (C>T on the coding strand, the complement: EDNRB is on the minus strand). VCF-style: chr13-77918260-G-A. GRCh37 (hg19) VCF-style: chr13-78492395-G-A.
Other names: c.314C>T, p.Thr105Met (NM_000115.5, NM_003991.4); c.584C>T, p.Thr195Met (NM_001201397.2); short protein forms T105M, T195M.
Identifiers: ClinVar variation 1496310 (VCV001496310.9), dbSNP rs368400131, ClinGen allele CA7012356.